The following is an entry in ClinVar:

NM_007294.4(BRCA1):c.206C>G (p.Thr69Ser)

Gene: BRCA1 (BRCA1 DNA repair associated; minus strand). Cytogenetic location: 17q21.31.
Variant type: single nucleotide variant.
Coding change: c.206C>G on transcript NM_007294.4 (MANE Select); coding-DNA position 206, C replaced by G.
Protein change: p.Thr69Ser; replaces threonine 69 with serine.
Molecular consequence: missense variant.
Genome position (GRCh38, 1-based): chr17:43,106,462, G>C on the plus strand (C>G on the coding strand, the complement: BRCA1 is on the minus strand). VCF-style: chr17-43106462-G-C. GRCh37 (hg19) VCF-style: chr17-41258479-G-C.
Other names: c.206C>G, p.Thr69Ser (NM_001407581.1, NM_001407582.1, NM_001407583.1 and 168 more transcripts); c.65C>G, p.Thr22Ser (NM_001407692.1, NM_001407694.1, NM_001407695.1 and 99 more transcripts); short protein forms T22S, T69S.
Identifiers: ClinVar variation 868282 (VCV000868282.5), dbSNP rs273898675, ClinGen allele CA10601756.

ClinVar aggregate classification (germline): Uncertain significance (1 of 4 stars; one submission).

Conditions:
Hereditary breast ovarian cancer syndrome. Also called: Hereditary breast and ovarian cancer; Hereditary breast and ovarian cancer syndrome (HBOC); Breast and ovarian cancer; Hereditary breast and/or ovarian cancer syndrome; BRCA1- and BRCA2-Associated Hereditary Breast and Ovarian Cancer; Hereditary breast and ovarian cancer syndrome. Identifiers: Orphanet 145, MedGen C0677776, MeSH D061325, MONDO:0003582. Disease mechanism: loss of function.

Submissions (2):

Labcorp Genetics (formerly Invitae), Labcorp
Classification: Uncertain significance for Hereditary breast ovarian cancer syndrome. Last evaluated: 2024-02-07. Review status: criteria provided, single submitter. Criteria: Invitae Variant Classification Sherloc (09022015). Collection method: clinical testing. Allele origin: germline.
Comment: This sequence change replaces threonine, which is neutral and polar, with serine, which is neutral and polar, at codon 69 of the BRCA1 protein (p.Thr69Ser). This variant is not present in population databases (gnomAD no frequency). This variant has not been reported in the literature in individuals affected with BRCA1-related conditions. ClinVar contains an entry for this variant (Variation ID: 868282). Advanced modeling performed at Invitae incorporating data from internal and/or published experimental studies (PMID: 30209399) indicates that this missense variant is not expected to disrupt BRCA1 function with a negative predictive value of 95%. In summary, the available evidence is currently insufficient to determine the role of this variant in disease. Therefore, it has been classified as a Variant of Uncertain Significance.

Brotman Baty Institute, University of Washington
No classification provided (evidence only). Condition: Breast-ovarian cancer, familial 1. Review status: no classification provided. Collection method: in vitro. Allele origin: not applicable. Functional consequence: functionally_normal. Not counted in ClinVar's aggregate classification.
ClinVar note: "not provided" was previously submitted as the classification for the variant. However, the classification appeared to be based only on an observation of functional data so it was converted to no classification on 2025-07-30.

Literature cited by the submitters: PubMed 30209399 (cited by Labcorp Genetics (formerly Invitae), Labcorp).